The following is an entry in ClinVar:

NM_002618.4(PEX13):c.788-4A>G

Gene: PEX13 (peroxisomal biogenesis factor 13; plus strand). Cytogenetic location: 2p15.
Variant type: single nucleotide variant.
Coding change: c.788-4A>G on transcript NM_002618.4 (MANE Select); 4 bases into the intron before coding-DNA position 788, A replaced by G.
Molecular consequence: intron variant.
Genome position (GRCh38, 1-based): chr2:61,045,722, A>G. VCF-style: chr2-61045722-A-G. GRCh37 (hg19) VCF-style: chr2-61272857-A-G.
Identifiers: ClinVar variation 3056338 (VCV003056338.2), dbSNP rs759519426, ClinGen allele CA1673358.

ClinVar aggregate classification (germline): Likely benign (0 of 4 stars; one submission).

Conditions:
PEX13-related disorder. Also called: PEX13-related condition; PEX13-related disorders.

Allele frequency attached by ClinVar (database versions not stated): ExAC 0.00002.

Submission:

PreventionGenetics, part of Exact Sciences
Classification: Likely benign for PEX13-related condition. Last evaluated: 2019-08-07. Review status: no assertion criteria provided. Collection method: clinical testing. Allele origin: germline.
Comment: This variant is classified as likely benign based on ACMG/AMP sequence variant interpretation guidelines (Richards et al. 2015 PMID: 25741868, with internal and published modifications).